The following is an entry in ClinVar:

NM_015001.3(SPEN):c.2470C>T (p.Arg824Cys)

Gene: SPEN (spen family transcriptional repressor; plus strand). Cytogenetic location: 1p36.13.
Variant type: single nucleotide variant.
Coding change: c.2470C>T on transcript NM_015001.3 (MANE Select); coding-DNA position 2470, C replaced by T.
Protein change: p.Arg824Cys; replaces arginine 824 with cysteine.
Molecular consequence: missense variant.
Genome position (GRCh38, 1-based): chr1:15,928,710, C>T. VCF-style: chr1-15928710-C-T. GRCh37 (hg19) VCF-style: chr1-16255205-C-T.
Other names: short protein forms R824C.
Identifiers: ClinVar variation 3048468 (VCV003048468.2), dbSNP rs115323964, ClinGen allele CA619289.

ClinVar aggregate classification (germline): Benign (0 of 4 stars; one submission).

Conditions:
SPEN-related disorder. Also called: SPEN-related condition.

Allele frequency attached by ClinVar (database versions not stated): gnomAD exomes 0.00040; ExAC 0.00136; gnomAD 0.00433; 1000 Genomes Project 30x 0.00468; TOPMed 0.00481; ESP Exome Variant Server 0.00507; 1000 Genomes Project 0.00539.
gnomAD v4.1: 1,263 of 1,613,892 alleles (0.078%); highest among the groups gnomAD compares: African/African-American, 1.4%; 11 homozygotes.

Submission:

PreventionGenetics, part of Exact Sciences
Classification: Benign for SPEN-related condition. Last evaluated: 2019-03-25. Review status: no assertion criteria provided. Collection method: clinical testing. Allele origin: germline.
Comment: This variant is classified as benign based on ACMG/AMP sequence variant interpretation guidelines (Richards et al. 2015 PMID: 25741868, with internal and published modifications).